The following is an entry in ClinVar:

ClinVar aggregate classification (germline): Conflicting classifications of pathogenicity. Review status: criteria provided, conflicting classifications (1 of 4 stars). 2 submissions from 2 submitters: Uncertain significance (1); Likely benign (1). Last evaluated 2026-01-13.

Conditions:
PEX1-related disorder. Also called: PEX1-related condition.
Zellweger spectrum disorders (ZS). Also called: Zellweger syndrome; Zellweger Spectrum Disorder (ZSD); Zellweger Spectrum Disorder; Zellweger Spectrum. Identifiers: Orphanet 912, MedGen C0043459, MONDO:0019609.

gnomAD v4.1: 48 of 1,613,890 alleles (0.003%); highest among the groups gnomAD compares: Admixed American, 0.018%; no homozygotes.

Submissions (2):

Labcorp Genetics (formerly Invitae), Labcorp
Classification: Likely benign for Zellweger spectrum disorders. Last evaluated: 2026-01-13. Review status: criteria provided, single submitter. Criteria: Invitae Variant Classification Sherloc (09022015). Collection method: clinical testing. Allele origin: germline.

PreventionGenetics, part of Exact Sciences
Classification: Uncertain significance for PEX1-related condition. Last evaluated: 2025-06-16. Review status: criteria provided, single submitter. Criteria: ACMG Guidelines, 2015. Collection method: clinical testing. Allele origin: germline.
Comment: The PEX1 c.1975G>A variant is predicted to result in the amino acid substitution p.Val659Ile. To our knowledge, this variant has not been reported in the literature. This variant is reported in 0.034% of alleles in individuals of Latino descent in gnomAD. At this time, the clinical significance of this variant is uncertain due to the absence of conclusive functional and genetic evidence.

NM_000466.3(PEX1):c.1975G>A (p.Val659Ile)

Gene: PEX1 (peroxisomal biogenesis factor 1; minus strand). Cytogenetic location: 7q21.2.
Variant type: single nucleotide variant.
Coding change: c.1975G>A on transcript NM_000466.3 (MANE Select); coding-DNA position 1975, G replaced by A.
Protein change: p.Val659Ile; replaces valine 659 with isoleucine.
Molecular consequence: missense variant. On other transcripts: intron variant (1).
Genome position (GRCh38, 1-based): chr7:92,504,828, C>T on the plus strand (G>A on the coding strand, the complement: PEX1 is on the minus strand). VCF-style: chr7-92504828-C-T. GRCh37 (hg19) VCF-style: chr7-92134142-C-T.
Other names: c.1351G>A, p.Val451Ile (NM_001282678.2); c.1900+1420G>A (NM_001282677.2); c.1975G>A (NM_000466.2); short protein forms V659I, V451I.
Identifiers: ClinVar variation 1378371 (VCV001378371.7), dbSNP rs193221288, ClinGen allele CA4341247.